The following is an entry in ClinVar:

NM_032444.4(SLX4):c.1286G>T (p.Arg429Leu)

Gene: SLX4 (SLX4 structure-specific endonuclease subunit; minus strand). Cytogenetic location: 16p13.3.
Variant type: single nucleotide variant.
Coding change: c.1286G>T on transcript NM_032444.4 (MANE Select); coding-DNA position 1286, G replaced by T.
Protein change: p.Arg429Leu; replaces arginine 429 with leucine.
Molecular consequence: missense variant.
Genome position (GRCh38, 1-based): chr16:3,597,877, C>A on the plus strand (G>T on the coding strand, the complement: SLX4 is on the minus strand). VCF-style: chr16-3597877-C-A. GRCh37 (hg19) VCF-style: chr16-3647878-C-A.
Other names: short protein forms R429L.
Identifiers: ClinVar variation 2727267 (VCV002727267.3), dbSNP rs141625470, ClinGen allele CA394529514.
Genomic context (GRCh38, chr16:3,597,877, plus strand): 5'-TCAGAAAAGGCACTTTCCAGCCTGAGCGCTGGTACAGCCGCACCCGGCTCCATCTCCGAC[C>A]GGGACAGAGCCATGGCCACCAGCAGGTCCTCGGACGGTGCCTCGTCCACCTTCCGCCTCT-3'
Protein context (NP_115820.2, residues 419-439): EDLLVAMALS[Arg429Leu]SEMEPGAAVP

ClinVar aggregate classification (germline): Uncertain significance (1 of 4 stars; one submission).

Conditions:
Fanconi anemia (FA). Also called: Fanconi's anemia. Identifiers: Orphanet 84, MedGen C0015625, MeSH D005199, MONDO:0019391.

gnomAD v4.1: 2 of 1,614,104 alleles (0.00012%); highest among the groups gnomAD compares: African/African-American, 0.0013%; no homozygotes.

Submission:

Labcorp Genetics (formerly Invitae), Labcorp
Classification: Uncertain significance for Fanconi anemia. Last evaluated: 2023-03-24. Review status: criteria provided, single submitter. Criteria: Invitae Variant Classification Sherloc (09022015). Collection method: clinical testing. Allele origin: germline.
Comment: An algorithm developed to predict the effect of missense changes on protein structure and function (PolyPhen-2) suggests that this variant is likely to be disruptive. This variant has not been reported in the literature in individuals affected with SLX4-related conditions. This variant is not present in population databases (gnomAD no frequency). This sequence change replaces arginine, which is basic and polar, with leucine, which is neutral and non-polar, at codon 429 of the SLX4 protein (p.Arg429Leu). In summary, the available evidence is currently insufficient to determine the role of this variant in disease. Therefore, it has been classified as a Variant of Uncertain Significance.